The following is an entry in ClinVar:

ClinVar aggregate classification (germline): Uncertain significance (1 of 4 stars; one submission).

gnomAD v4.1: 37 of 1,614,100 alleles (0.0023%); highest among the groups gnomAD compares: South Asian, 0.038%; no homozygotes.

Submission:

Labcorp Genetics (formerly Invitae), Labcorp
Classification: Uncertain significance. Last evaluated: 2024-10-07. Review status: criteria provided, single submitter. Criteria: Invitae Variant Classification Sherloc (09022015). Collection method: clinical testing. Allele origin: germline.
Comment: This sequence change replaces proline, which is neutral and non-polar, with leucine, which is neutral and non-polar, at codon 1996 of the SRCAP protein (p.Pro1996Leu). This variant is present in population databases (rs747266980, gnomAD 0.02%). This variant has not been reported in the literature in individuals affected with SRCAP-related conditions. Invitae Evidence Modeling of protein sequence and biophysical properties (such as structural, functional, and spatial information, amino acid conservation, physicochemical variation, residue mobility, and thermodynamic stability) has been performed for this missense variant. However, the output from this modeling did not meet the statistical confidence thresholds required to predict the impact of this variant on SRCAP protein function. In summary, the available evidence is currently insufficient to determine the role of this variant in disease. Therefore, it has been classified as a Variant of Uncertain Significance.

NM_006662.3(SRCAP):c.5987C>T (p.Pro1996Leu)

Gene: SRCAP (Snf2 related CREBBP activator protein; plus strand). Cytogenetic location: 16p11.2.
Variant type: single nucleotide variant.
Coding change: c.5987C>T on transcript NM_006662.3 (MANE Select); coding-DNA position 5987, C replaced by T.
Protein change: p.Pro1996Leu; replaces proline 1996 with leucine.
Molecular consequence: missense variant.
Genome position (GRCh38, 1-based): chr16:30,729,432, C>T. VCF-style: chr16-30729432-C-T. GRCh37 (hg19) VCF-style: chr16-30740753-C-T.
Other names: short protein forms P1996L.
Identifiers: ClinVar variation 3707803 (VCV003707803.2).